The following is an entry in ClinVar:

ClinVar aggregate classification (germline): Uncertain significance. Review status: criteria provided, multiple submitters, no conflicts (2 of 4 stars). 2 submissions from 2 submitters: Uncertain significance (2). Last evaluated 2026-02-24.

gnomAD v4.1: 9 of 1,288,512 alleles (0.0007%); highest among the groups gnomAD compares: Admixed American, 0.0041%; no homozygotes.

Submissions (2):

Dasa
Classification: Uncertain significance. Last evaluated: 2026-02-24. Review status: criteria provided, single submitter. Criteria: DASA Assertion Criteria. Collection method: clinical testing. Allele origin: germline.
Comment: NM_015103.3(PLXND1):c.95C>A (p.Pro32Gln) is a missense variant that results in the substitution of proline with glutamine. This variant is rare in population databases. Computational prediction algorithms are consistent with a benign effect. The currently available literature and clinical evidence are not sufficient to establish a definitive association between this variant and the reported condition. Therefore, this variant is classified as a variant of uncertain significance.

Ambry Genetics
Classification: Uncertain significance. Last evaluated: 2021-07-13. Review status: criteria provided, single submitter. Criteria: Ambry Variant Classification Scheme 2023. Collection method: clinical testing. Allele origin: germline.

NM_015103.3(PLXND1):c.95C>A (p.Pro32Gln)

Gene: PLXND1 (plexin D1; minus strand). Cytogenetic location: 3q22.1.
Variant type: single nucleotide variant.
Coding change: c.95C>A on transcript NM_015103.3 (MANE Select); coding-DNA position 95, C replaced by A.
Protein change: p.Pro32Gln; replaces proline 32 with glutamine.
Molecular consequence: missense variant.
Genome position (GRCh38, 1-based): chr3:129,606,545, G>T on the plus strand (C>A on the coding strand, the complement: PLXND1 is on the minus strand). VCF-style: chr3-129606545-G-T. GRCh37 (hg19) VCF-style: chr3-129325388-G-T.
Other names: short protein forms P32Q.
Identifiers: ClinVar variation 2231554 (VCV002231554.4), dbSNP rs753372701, ClinGen allele CA2609588.